The following is an entry in ClinVar:

ClinVar aggregate classification (germline): Uncertain significance (1 of 4 stars; one submission).

Conditions:
Severe combined immunodeficiency due to DNA-PKcs deficiency. Also called: IMMUNODEFICIENCY 26 WITH NEUROLOGIC ABNORMALITIES; Immunodeficiency 26 with or without neurologic abnormalities. Identifiers: Orphanet 317425, MedGen C4014833, MONDO:0014423, OMIM 615966.

Submission:

Labcorp Genetics (formerly Invitae), Labcorp
Classification: Uncertain significance for Severe combined immunodeficiency due to DNA-PKcs deficiency. Last evaluated: 2022-05-23. Review status: criteria provided, single submitter. Criteria: Invitae Variant Classification Sherloc (09022015). Collection method: clinical testing. Allele origin: germline.
Comment: This sequence change replaces alanine, which is neutral and non-polar, with serine, which is neutral and polar, at codon 3880 of the PRKDC protein (p.Ala3880Ser). This variant is not present in population databases (gnomAD no frequency). This variant has not been reported in the literature in individuals affected with PRKDC-related conditions. Experimental studies and prediction algorithms are not available or were not evaluated, and the functional significance of this variant is currently unknown. In summary, the available evidence is currently insufficient to determine the role of this variant in disease. Therefore, it has been classified as a Variant of Uncertain Significance.

NM_006904.7(PRKDC):c.11638G>T (p.Ala3880Ser)

Gene: PRKDC (protein kinase, DNA-activated, catalytic subunit; minus strand). Cytogenetic location: 8q11.21.
Variant type: single nucleotide variant.
Coding change: c.11638G>T on transcript NM_006904.7 (MANE Select); coding-DNA position 11638, G replaced by T.
Protein change: p.Ala3880Ser; replaces alanine 3880 with serine.
Molecular consequence: missense variant.
Genome position (GRCh38, 1-based): chr8:47,778,741, C>A on the plus strand (G>T on the coding strand, the complement: PRKDC is on the minus strand). VCF-style: chr8-47778741-C-A. GRCh37 (hg19) VCF-style: chr8-48691302-C-A.
Other names: c.11545G>T, p.Ala3849Ser (NM_001081640.2); short protein forms A3849S, A3880S.
Identifiers: ClinVar variation 1995719 (VCV001995719.1), dbSNP rs2086650497, ClinGen allele CA371128897.